The following is an entry in ClinVar:

NM_033310.3(KCNK4):c.1087C>T (p.Arg363Cys)

Genes: KCNK4 (potassium two pore domain channel subfamily K member 4; plus strand), KCNK4-CATSPERZ (KCNK4-CATSPERZ readthrough (NMD candidate); plus strand). Cytogenetic location: 11q13.1.
Variant type: single nucleotide variant.
Coding change: c.1087C>T on transcript NM_033310.3 (MANE Select); coding-DNA position 1087, C replaced by T.
Protein change: p.Arg363Cys; replaces arginine 363 with cysteine.
Molecular consequence: missense variant. On other transcripts: non-coding transcript variant (3).
Genome position (GRCh38, 1-based): chr11:64,299,631, C>T. VCF-style: chr11-64299631-C-T. GRCh37 (hg19) VCF-style: chr11-64067103-C-T.
Other names: c.1087C>T, p.Arg363Cys (NM_001317090.2, NM_033311.1); short protein forms R363C.
Identifiers: ClinVar variation 1960515 (VCV001960515.5), dbSNP rs1211261052, ClinGen allele CA381069297.

ClinVar aggregate classification (germline): Uncertain significance (1 of 4 stars; one submission).

Allele frequency attached by ClinVar (database versions not stated): TOPMed 0.00002; gnomAD 0.00003.
gnomAD v4.1: 6 of 1,607,800 alleles (0.00037%); highest among the groups gnomAD compares: African/African-American, 0.0054%; no homozygotes.

Submission:

Labcorp Genetics (formerly Invitae), Labcorp
Classification: Uncertain significance. Last evaluated: 2022-03-15. Review status: criteria provided, single submitter. Criteria: Invitae Variant Classification Sherloc (09022015). Collection method: clinical testing. Allele origin: germline.
Comment: This sequence change replaces arginine, which is basic and polar, with cysteine, which is neutral and slightly polar, at codon 363 of the KCNK4 protein (p.Arg363Cys). This variant is present in population databases (no rsID available, gnomAD 0.006%). This variant has not been reported in the literature in individuals affected with KCNK4-related conditions. Experimental studies and prediction algorithms are not available or were not evaluated, and the functional significance of this variant is currently unknown. In summary, the available evidence is currently insufficient to determine the role of this variant in disease. Therefore, it has been classified as a Variant of Uncertain Significance.